The following is an entry in ClinVar:

NM_000135.4(FANCA):c.2121C>G (p.Asn707Lys)

Gene: FANCA (FA complementation group A; minus strand). Cytogenetic location: 16q24.3.
Variant type: single nucleotide variant.
Coding change: c.2121C>G on transcript NM_000135.4 (MANE Select); coding-DNA position 2121, C replaced by G.
Protein change: p.Asn707Lys; replaces asparagine 707 with lysine.
Molecular consequence: missense variant.
Genome position (GRCh38, 1-based): chr16:89,771,708, G>C on the plus strand (C>G on the coding strand, the complement: FANCA is on the minus strand). VCF-style: chr16-89771708-G-C. GRCh37 (hg19) VCF-style: chr16-89838116-G-C.
Other names: c.2121C>G, p.Asn707Lys (NM_001286167.3); short protein forms N707K.
Identifiers: ClinVar variation 3512688 (VCV003512688.1).

ClinVar aggregate classification (germline): Uncertain significance (1 of 4 stars; one submission).

Conditions:
Inborn genetic diseases. Identifiers: MedGen C0950123, MeSH D030342.

gnomAD v4.1: 7 of 1,614,194 alleles (0.00043%); highest among the groups gnomAD compares: Admixed American, 0.0017%; no homozygotes.

Submission:

Ambry Genetics
Classification: Uncertain significance for Inborn genetic diseases. Last evaluated: 2024-11-28. Review status: criteria provided, single submitter. Criteria: Ambry Variant Classification Scheme 2023. Collection method: clinical testing. Allele origin: germline.
Comment: The p.N707K variant (also known as c.2121C>G), located in coding exon 23 of the FANCA gene, results from a C to G substitution at nucleotide position 2121. The asparagine at codon 707 is replaced by lysine, an amino acid with similar properties. This amino acid position is conserved. In addition, this alteration is predicted to be tolerated by in silico analysis. Based on the available evidence, the clinical significance of this variant remains unclear.